The following is an entry in ClinVar:

NM_003998.4(NFKB1):c.411C>G (p.Phe137Leu)

Gene: NFKB1 (nuclear factor kappa B subunit 1; plus strand). Cytogenetic location: 4q24.
Variant type: single nucleotide variant.
Coding change: c.411C>G on transcript NM_003998.4 (MANE Select); coding-DNA position 411, C replaced by G.
Protein change: p.Phe137Leu; replaces phenylalanine 137 with leucine.
Molecular consequence: missense variant.
Genome position (GRCh38, 1-based): chr4:102,576,879, C>G. VCF-style: chr4-102576879-C-G. GRCh37 (hg19) VCF-style: chr4-103498036-C-G.
Other names: c.408C>G, p.Phe136Leu (NM_001165412.2, NM_001319226.2, NM_001382627.1); c.411C>G, p.Phe137Leu (NM_001382625.1, NM_001382626.1); c.369C>G, p.Phe123Leu (NM_001382628.1); short protein forms F123L, F136L, F137L.
Identifiers: ClinVar variation 2796278 (VCV002796278.3), dbSNP rs369582218, ClinGen allele CA357959046.

ClinVar aggregate classification (germline): Uncertain significance (1 of 4 stars; one submission).

gnomAD v4.1: 2 of 1,603,198 alleles (0.00012%); highest among the groups gnomAD compares: Admixed American, 0.0017%; no homozygotes.

Submission:

Labcorp Genetics (formerly Invitae), Labcorp
Classification: Uncertain significance. Last evaluated: 2023-08-18. Review status: criteria provided, single submitter. Criteria: Invitae Variant Classification Sherloc (09022015). Collection method: clinical testing. Allele origin: germline.
Comment: Advanced modeling of protein sequence and biophysical properties (such as structural, functional, and spatial information, amino acid conservation, physicochemical variation, residue mobility, and thermodynamic stability) performed at Invitae indicates that this missense variant is expected to disrupt NFKB1 protein function. In summary, the available evidence is currently insufficient to determine the role of this variant in disease. Therefore, it has been classified as a Variant of Uncertain Significance. This variant has not been reported in the literature in individuals affected with NFKB1-related conditions. This variant is not present in population databases (gnomAD no frequency). This sequence change replaces phenylalanine, which is neutral and non-polar, with leucine, which is neutral and non-polar, at codon 137 of the NFKB1 protein (p.Phe137Leu).